The following is an entry in ClinVar:

NM_000548.5(TSC2):c.3591C>T (p.Ile1197=)

Gene: TSC2 (TSC complex subunit 2; plus strand). Cytogenetic location: 16p13.3.
Variant type: single nucleotide variant.
Coding change: c.3591C>T on transcript NM_000548.5 (MANE Select); coding-DNA position 3591, C replaced by T.
Protein change: p.Ile1197=; no amino-acid change (isoleucine 1197 retained).
Molecular consequence: synonymous variant.
Genome position (GRCh38, 1-based): chr16:2,080,358, C>T. VCF-style: chr16-2080358-C-T. GRCh37 (hg19) VCF-style: chr16-2130359-C-T.
Other names: c.3459C>T, p.Ile1153= (NM_001077183.3, NM_001370404.1); c.3591C>T, p.Ile1197= (NM_001114382.3); c.3351C>T, p.Ile1117= (NM_001318827.2); c.3315C>T, p.Ile1105= (NM_001318829.2); c.2859C>T, p.Ile953= (NM_001318831.2); c.3492C>T, p.Ile1164= (NM_001318832.2); c.3462C>T, p.Ile1154= (NM_001363528.2, NM_001370405.1, NM_021055.3).
Identifiers: ClinVar variation 699930 (VCV000699930.15), dbSNP rs765503216, ClinGen allele CA276746931.
Genomic context (GRCh38, chr16:2,080,358, plus strand): 5'-GCAGGAGAAGACGAACCTGGCGGCCTATGTGCCCCTGCTGACCCAGGGCTGGGCGGAGAT[C>T]CTGGTCCGGAGGCCCACAGGTACTGGGCGGGGCTGGCCTGAGCGCCATCTTTCTGCCAGT-3'
Protein context (NP_000539.2, residues 1187-1207): VPLLTQGWAE[Ile1197=]LVRRPTGNTS

ClinVar aggregate classification (germline): Benign/Likely benign. Review status: criteria provided, multiple submitters, no conflicts (2 of 4 stars). 5 submissions from 5 submitters: Benign (1); Likely benign (4). Last evaluated 2026-01-08.

Conditions:
Hereditary cancer-predisposing syndrome. Also called: Tumor predisposition; Hereditary neoplastic syndrome; Hereditary Cancer Syndrome; Neoplastic Syndromes, Hereditary. Identifiers: Orphanet 140162, MedGen C0027672, MeSH D009386, MONDO:0015356.
Tuberous sclerosis 2 (TSC2). Identifiers: Orphanet 805, MedGen C1860707, MONDO:0013199, OMIM 613254.
Tuberous sclerosis syndrome (TSC). Also called: Tuberous Sclerosis Complex; Tuberous sclerosis. Identifiers: Orphanet 805, MedGen C0041341, MONDO:0001734.

Allele frequency attached by ClinVar (database versions not stated): gnomAD exomes 0.00001; TOPMed 0.00001.
gnomAD v4.1: 8 of 1,612,002 alleles (0.0005%); highest among the groups gnomAD compares: Non-Finnish European, 0.00068%; no homozygotes.

Submissions (5):

Labcorp Genetics (formerly Invitae), Labcorp
Classification: Likely benign for Tuberous sclerosis 2. Last evaluated: 2026-01-08. Review status: criteria provided, single submitter. Criteria: Invitae Variant Classification Sherloc (09022015). Collection method: clinical testing. Allele origin: germline.

Myriad Genetics, Inc.
Classification: Benign for Tuberous sclerosis 2. Last evaluated: 2025-05-29. Review status: criteria provided, single submitter. Criteria: Myriad Autosomal Dominant, Autosomal Recessive and X-Linked Classification Criteria (2023). Collection method: clinical testing. Allele origin: unknown.
Comment: This variant is considered benign. This variant is a silent/synonymous amino acid change and it is not expected to impact splicing.

All of Us Research Program, National Institutes of Health
Classification: Likely benign for Tuberous sclerosis syndrome. Last evaluated: 2024-05-13. Review status: criteria provided, single submitter. Criteria: ACMG Guidelines, 2015. Collection method: clinical testing. Allele origin: germline. Inheritance: Autosomal dominant inheritance. Observed: 2 variant alleles, 2 heterozygotes.
Comment: This study involves interpretation of variants in research participants for the purpose of population health screening. Participant phenotype was not available at the time of variant classification. Additional details can be found in publication PMID: 35346344, PMCID: PMC8962531

Color Diagnostics, LLC DBA Color Health
Classification: Likely benign for Tuberous sclerosis syndrome. Last evaluated: 2024-02-14. Review status: criteria provided, single submitter. Criteria: ACMG Guidelines, 2015. Collection method: clinical testing. Allele origin: germline.

Ambry Genetics
Classification: Likely benign for Hereditary cancer-predisposing syndrome. Last evaluated: 2020-02-24. Review status: criteria provided, single submitter. Criteria: Ambry Variant Classification Scheme 2023. Collection method: clinical testing. Allele origin: germline.